The following is an entry in ClinVar:

ClinVar aggregate classification (germline): Uncertain significance (1 of 4 stars; one submission).

gnomAD v4.1: 2 of 1,614,068 alleles (0.00012%); highest among the groups gnomAD compares: South Asian, 0.0011%; no homozygotes.

Submission:

GeneDx
Classification: Uncertain significance. Last evaluated: 2026-04-23. Review status: criteria provided, single submitter. Criteria: GeneDx Variant Classification Process June 2021. Collection method: clinical testing. Allele origin: germline.
Comment: Not observed at significant frequency in large population cohorts (gnomAD); In silico analysis supports that this missense variant has a deleterious effect on protein structure/function; In silico analysis suggests this variant may impact gene splicing. In the absence of RNA/functional studies, the actual effect of this sequence change is unknown.; Has not been previously published as pathogenic or benign to our knowledge

NM_001394062.1(MACF1):c.1393G>A (p.Glu465Lys)

Gene: MACF1 (microtubule actin crosslinking factor 1; plus strand). Cytogenetic location: 1p34.3.
Variant type: single nucleotide variant.
Coding change: c.1393G>A on transcript NM_001394062.1 (MANE Select); coding-DNA position 1393, G replaced by A.
Protein change: p.Glu465Lys; replaces glutamic acid 465 with lysine.
Molecular consequence: missense variant.
Genome position (GRCh38, 1-based): chr1:39,285,643, G>A. VCF-style: chr1-39285643-G-A. GRCh37 (hg19) VCF-style: chr1-39751315-G-A.
Other names: c.1408G>A, p.Glu470Lys (NM_012090.5); short protein forms E465K, E470K.
Identifiers: ClinVar variation 5037338 (VCV005037338.1).